The following is an entry in ClinVar:

ClinVar aggregate classification (germline): Uncertain significance (1 of 4 stars; one submission).

Allele frequency attached by ClinVar (database versions not stated): gnomAD exomes below 0.00001; TOPMed below 0.00001; ExAC 0.00001; gnomAD 0.00001.
gnomAD v4.1: 2 of 1,614,090 alleles (0.00012%); highest among the groups gnomAD compares: African/African-American, 0.0013%; no homozygotes.

Submission:

Athena Diagnostics
Classification: Uncertain significance. Last evaluated: 2023-02-28. Review status: criteria provided, single submitter. Criteria: Athena Diagnostics Criteria. Collection method: clinical testing. Allele origin: unknown.
Comment: Available data are insufficient to determine the clinical significance of the variant at this time. The frequency of this variant in the general population is uninformative in assessment of its pathogenicity. Computational tools predict that this variant is not damaging.

NM_182961.4(SYNE1):c.24897G>A (p.Met8299Ile)

Gene: SYNE1 (spectrin repeat containing nuclear envelope protein 1; minus strand). Cytogenetic location: 6q25.2.
Variant type: single nucleotide variant.
Coding change: c.24897G>A on transcript NM_182961.4 (MANE Select); coding-DNA position 24897, G replaced by A.
Protein change: p.Met8299Ile; replaces methionine 8299 with isoleucine.
Molecular consequence: missense variant.
Genome position (GRCh38, 1-based): chr6:152,148,124, C>T on the plus strand (G>A on the coding strand, the complement: SYNE1 is on the minus strand). VCF-style: chr6-152148124-C-T. GRCh37 (hg19) VCF-style: chr6-152469259-C-T.
Other names: c.1503G>A, p.Met501Ile (NM_001347701.2); c.1362G>A, p.Met454Ile (NM_001347702.2); c.24684G>A, p.Met8228Ile (NM_033071.5); short protein forms M454I, M501I, M8228I, M8299I.
Identifiers: ClinVar variation 2684054 (VCV002684054.1), dbSNP rs750053227, ClinGen allele CA4053050.
Genomic context (GRCh38, chr6:152,148,124, plus strand): 5'-CCGGAGGTAGAAATCTTTGTCATCCTGACCTTCTTCATCCTCAGAGGGCAGAGCTCTGGA[C>T]ATTGCAGACTCCAGGTCCCGACTGAGGTCATAGTCGTGATCCCACTCCAGGGGGATGGAG-3'
Protein context (NP_892006.3, residues 8289-8309): YDLSRDLESA[Met8299Ile]SRALPSEDEE